The following is an entry in ClinVar:

NM_000159.4(GCDH):c.91+5G>T

Genes: GCDH (glutaryl-CoA dehydrogenase; plus strand), KLF1 (KLF transcription factor 1; minus strand), LOC117125594 (CRISPRi-FlowFISH-validated KLF1 regulatory element; plus strand). Cytogenetic location: 19p13.13.
Variant type: single nucleotide variant.
Coding change: c.91+5G>T on transcript NM_000159.4 (MANE Select); 5 bases into the intron after coding-DNA position 91, G replaced by T.
Molecular consequence: intron variant.
Genome position (GRCh38, 1-based): chr19:12,891,400, G>T. VCF-style: chr19-12891400-G-T. GRCh37 (hg19) VCF-style: chr19-13002214-G-T.
Other names: IVS1, G-T, +5; c.91+5G>T (NM_013976.5).
Identifiers: ClinVar variation 2087 (VCV000002087.13), dbSNP rs952356983, ClinGen allele CA913184956.

ClinVar aggregate classification (germline): Pathogenic. Review status: criteria provided, multiple submitters, no conflicts (2 of 4 stars). 6 submissions from 6 submitters: Pathogenic (4). 2 of the submissions do not count toward it. Last evaluated 2026-01-20.

Conditions:
BLOOD GROUP--LUTHERAN INHIBITOR (INLU). Also called: DOMINANT LU (a-b-) PHENOTYPE. Identifiers: MedGen C1292231, OMIM 111150.
Anemia, congenital dyserythropoietic, type IVa. Also called: Congenital dyserythropoietic anemia, type IV; Congenital dyserythropoietic anemia type 4; CDA, TYPE IVa. Identifiers: Orphanet 293825, MedGen C3150926, MONDO:0013355, OMIM 613673.
FETAL HEMOGLOBIN QUANTITATIVE TRAIT LOCUS 6 (HBFQTL6). Also called: HEREDITARY PERSISTENCE OF FETAL HEMOGLOBIN, KLF1-RELATED. Identifiers: Orphanet 251380, MedGen C3150805, OMIM 613566.
Glutaric aciduria, type 1. Also called: GA I; Glutaricaciduria, type I; Glutaric acidemia type I; Glutaric Acidemia Type 1; Glutaricacidemia Type 1; Glutaryl-CoA dehydrogenase deficiency. Identifiers: Orphanet 25, MedGen C0268595, MONDO:0009281, OMIM 231670.

Submissions (6):

Natera, Inc.
Classification: Pathogenic for Glutaric acidemia type 1. Last evaluated: 2026-01-20. Review status: criteria provided, single submitter. Criteria: Natera Variant Classification Schema (03/2026). Collection method: clinical testing. Allele origin: germline.
Comment: The c.91+5G>T variant in GCDH is an intronic variant located outside the canonical splice sites. This variant is rare in the general population with a frequency below the threshold expected for the associated phenotype(s). This variant has been observed in one or more individuals affected with the associated recessive disease, as either homozygous or compound heterozygous with a second variant (PMID: 20978942, 33064266). Functional studies show that this variant may disrupt protein function (PMID: 7795610). Computational prediction algorithms indicate this variant is likely to affect gene or protein function. Given the available evidence, this variant is classified as Pathogenic.

Genomic Medicine Center of Excellence, King Faisal Specialist Hospital and Research Centre
Classification: Pathogenic for Glutaric aciduria, type 1. Last evaluated: 2024-03-25. Review status: criteria provided, single submitter. Criteria: ACMG Guidelines, 2015. Collection method: clinical testing. Allele origin: germline.

Labcorp Genetics (formerly Invitae), Labcorp
Classification: Pathogenic for Glutaric aciduria, type 1. Last evaluated: 2024-02-26. Review status: criteria provided, single submitter. Criteria: Invitae Variant Classification Sherloc (09022015). Collection method: clinical testing. Allele origin: germline.
Comment: This sequence change falls in intron 2 of the GCDH gene. It does not directly change the encoded amino acid sequence of the GCDH protein. It affects a nucleotide within the consensus splice site. This variant is not present in population databases (gnomAD no frequency). This variant has been observed in individuals with glutaric aciduria (PMID: 7795610). ClinVar contains an entry for this variant (Variation ID: 2087). Variants that disrupt the consensus splice site are a relatively common cause of aberrant splicing (PMID: 17576681, 9536098). Algorithms developed to predict the effect of sequence changes on RNA splicing suggest that this variant may disrupt the consensus splice site. For these reasons, this variant has been classified as Pathogenic.

Fulgent Genetics
Classification: Pathogenic for BLOOD GROUP--LUTHERAN INHIBITOR; FETAL HEMOGLOBIN QUANTITATIVE TRAIT LOCUS 6; Anemia, congenital dyserythropoietic, type IVa. Last evaluated: 2022-04-07. Review status: criteria provided, single submitter. Criteria: ACMG Guidelines, 2015. Collection method: clinical testing. Allele origin: unknown.

OMIM
Classification: Pathogenic for GLUTARIC ACIDEMIA I. Last evaluated: 1995-03-01. Review status: no assertion criteria provided. Collection method: literature only. Allele origin: germline. Not counted in ClinVar's aggregate classification.

GeneReviews
No classification provided. Condition: Glutaric aciduria, type 1. Review status: no classification provided. Collection method: literature only. Allele origin: germline. Not counted in ClinVar's aggregate classification.
Comment: Low-excreter & founder variant in Ojibway-Cree First Nations Canadians

Literature cited by the submitters: PubMed 20978942 (cited by Natera, Inc.); PubMed 33064266 (cited by Natera, Inc.); PubMed 7795610 (cited by 4 submitters); PubMed 17576681 (cited by Labcorp Genetics (formerly Invitae), Labcorp); PubMed 9536098 (cited by Labcorp Genetics (formerly Invitae), Labcorp); PubMed 11825066 (cited by GeneReviews); PubMed 31536184 (cited by GeneReviews).